The following is an entry in ClinVar:

NM_018263.6(ASXL2):c.3224G>A (p.Arg1075Gln)

Gene: ASXL2 (ASXL transcriptional regulator 2; minus strand). Cytogenetic location: 2p23.3.
Variant type: single nucleotide variant.
Coding change: c.3224G>A on transcript NM_018263.6 (MANE Select); coding-DNA position 3224, G replaced by A.
Protein change: p.Arg1075Gln; replaces arginine 1075 with glutamine.
Molecular consequence: missense variant.
Genome position (GRCh38, 1-based): chr2:25,743,113, C>T on the plus strand (G>A on the coding strand, the complement: ASXL2 is on the minus strand). VCF-style: chr2-25743113-C-T. GRCh37 (hg19) VCF-style: chr2-25965982-C-T.
Other names: c.3050G>A, p.Arg1017Gln (NM_001369346.1); c.2444G>A, p.Arg815Gln (NM_001369347.1); short protein forms R1017Q, R1075Q, R815Q.
Identifiers: ClinVar variation 771125 (VCV000771125.42), dbSNP rs62130126, ClinGen allele CA1557510.

ClinVar aggregate classification (germline): Benign/Likely benign. Review status: criteria provided, multiple submitters, no conflicts (2 of 4 stars). 4 submissions from 4 submitters: Benign (2); Likely benign (1). 1 of the submissions does not count toward it. Last evaluated 2026-09-01.

Conditions:
ASXL2-related disorder. Also called: ASXL2-related condition.

Allele frequency attached by ClinVar (database versions not stated): 1000 Genomes Project 30x 0.00437; 1000 Genomes Project 0.00459; TOPMed 0.00686; gnomAD 0.00785 and 0.00802; ExAC 0.00800; gnomAD exomes 0.00865 and 0.00905; ESP Exome Variant Server 0.00917.
gnomAD v4.1: 14,355 of 1,613,966 alleles (0.89%); highest among the groups gnomAD compares: Middle Eastern, 2%; 66 homozygotes.

Submissions (4):

CeGaT Center for Human Genetics Tuebingen
Classification: Likely benign. Last evaluated: 2026-09-01. Review status: criteria provided, single submitter. Criteria: CeGaT Center For Human Genetics Tuebingen Variant Classification Criteria Version 2. Collection method: clinical testing. Allele origin: germline. Affected: yes. Observed: 24 variant alleles.
Comment: ASXL2: BP4, BS2

Labcorp Genetics (formerly Invitae), Labcorp
Classification: Benign. Last evaluated: 2026-01-26. Review status: criteria provided, single submitter. Criteria: Invitae Variant Classification Sherloc (09022015). Collection method: clinical testing. Allele origin: germline.

Breakthrough Genomics
Classification: Benign. Review status: criteria provided, single submitter. Criteria: ACMG Guidelines, 2015. Collection method: not provided. Allele origin: germline. Inheritance: Autosomal dominant inheritance. Affected: yes.

PreventionGenetics, part of Exact Sciences
Classification: Benign for ASXL2-related condition. Last evaluated: 2024-07-10. Review status: no assertion criteria provided. Collection method: clinical testing. Allele origin: germline. Not counted in ClinVar's aggregate classification.
Comment: This variant is classified as benign based on ACMG/AMP sequence variant interpretation guidelines (Richards et al. 2015 PMID: 25741868, with internal and published modifications).